The following is an entry in ClinVar:

NM_000219.6(KCNE1):c.275A>T (p.Lys92Met)

Gene: KCNE1 (potassium voltage-gated channel subfamily E regulatory subunit 1; minus strand). Cytogenetic location: 21q22.12.
Variant type: single nucleotide variant.
Coding change: c.275A>T on transcript NM_000219.6 (MANE Select); coding-DNA position 275, A replaced by T.
Protein change: p.Lys92Met; replaces lysine 92 with methionine.
Molecular consequence: missense variant.
Genome position (GRCh38, 1-based): chr21:34,449,360, T>A on the plus strand (A>T on the coding strand, the complement: KCNE1 is on the minus strand). VCF-style: chr21-34449360-T-A. GRCh37 (hg19) VCF-style: chr21-35821658-T-A.
Other names: c.275A>T, p.Lys92Met (NM_001127668.4, NM_001127669.4, NM_001127670.4 and 4 more transcripts); short protein forms K92M.
Identifiers: ClinVar variation 3374507 (VCV003374507.2).

Conditions:
Long QT syndrome 5 (LQT5). Identifiers: Orphanet 101016, Orphanet 768, MedGen C1867904, MONDO:0013372, OMIM 613695.

Submission:

Roden Lab, Vanderbilt University Medical Center
No classification provided (evidence only). Condition: Long QT syndrome 5. Review status: no classification provided. Collection method: in vitro. Allele origin: not applicable. Functional consequence: Effect on ion channel function.
ClinVar note: "not provided" was previously submitted as the classification for the variant. However, the classification appeared to be based only on an observation of functional data so it was converted to no classification on 2025-07-30.